The following is an entry in ClinVar:

ClinVar aggregate classification (germline): Uncertain significance (1 of 4 stars; one submission).

Submission:

GeneDx
Classification: Uncertain significance. Last evaluated: 2023-06-13. Review status: criteria provided, single submitter. Criteria: GeneDx Variant Classification Process June 2021. Collection method: clinical testing. Allele origin: germline. Affected: yes.
Comment: Not observed at significant frequency in large population cohorts (gnomAD); In silico analysis supports that this missense variant does not alter protein structure/function; Has not been previously published as pathogenic or benign to our knowledge

NM_022455.5(NSD1):c.1508C>T (p.Ser503Phe)

Gene: NSD1 (nuclear receptor binding SET domain protein 1; plus strand). Cytogenetic location: 5q35.3.
Variant type: single nucleotide variant.
Coding change: c.1508C>T on transcript NM_022455.5 (MANE Select); coding-DNA position 1508, C replaced by T.
Protein change: p.Ser503Phe; replaces serine 503 with phenylalanine.
Molecular consequence: missense variant.
Genome position (GRCh38, 1-based): chr5:177,209,907, C>T. VCF-style: chr5-177209907-C-T. GRCh37 (hg19) VCF-style: chr5-176636908-C-T.
Other names: c.635C>T, p.Ser212Phe (NM_001365684.2, NM_001409306.1, NM_001409307.1 and 3 more transcripts); c.1508C>T, p.Ser503Phe (NM_001409301.1, NM_001409302.1, NM_001409303.1); c.1088C>T, p.Ser363Phe (NM_001409304.1); c.755C>T, p.Ser252Phe (NM_001409305.1); short protein forms S212F, S252F, S363F, S503F.
Identifiers: ClinVar variation 3359690 (VCV003359690.1).